The following is an entry in ClinVar:

ClinVar aggregate classification (germline): Likely pathogenic (1 of 4 stars; one submission).

Allele frequency attached by ClinVar (database versions not stated): gnomAD exomes below 0.00001.
gnomAD v4.1: 1 of 1,613,820 alleles (0.000062%); highest among the groups gnomAD compares: Non-Finnish European, 0.000085%; no homozygotes.

Submission:

Labcorp Genetics (formerly Invitae), Labcorp
Classification: Likely pathogenic. Last evaluated: 2023-07-07. Review status: criteria provided, single submitter. Criteria: Invitae Variant Classification Sherloc (09022015). Collection method: clinical testing. Allele origin: germline.
Comment: This sequence change replaces alanine, which is neutral and non-polar, with valine, which is neutral and non-polar, at codon 1695 of the ABCA4 protein (p.Ala1695Val). This variant is not present in population databases (gnomAD no frequency). This variant has not been reported in the literature in individuals affected with ABCA4-related conditions. ClinVar contains an entry for this variant (Variation ID: 1349581). Advanced modeling of protein sequence and biophysical properties (such as structural, functional, and spatial information, amino acid conservation, physicochemical variation, residue mobility, and thermodynamic stability) performed at Invitae indicates that this missense variant is expected to disrupt ABCA4 protein function. This variant disrupts the p.Ala1695 amino acid residue in ABCA4. Other variant(s) that disrupt this residue have been determined to be pathogenic (PMID: 29925512). This suggests that this residue is clinically significant, and that variants that disrupt this residue are likely to be disease-causing. In summary, the currently available evidence indicates that the variant is pathogenic, but additional data are needed to prove that conclusively. Therefore, this variant has been classified as Likely Pathogenic.

Literature cited by the submitters: PubMed 29925512.

NM_000350.3(ABCA4):c.5084C>T (p.Ala1695Val)

Gene: ABCA4 (ATP binding cassette subfamily A member 4; minus strand). Cytogenetic location: 1p22.1.
Variant type: single nucleotide variant.
Coding change: c.5084C>T on transcript NM_000350.3 (MANE Select); coding-DNA position 5084, C replaced by T.
Protein change: p.Ala1695Val; replaces alanine 1695 with valine.
Molecular consequence: missense variant.
Genome position (GRCh38, 1-based): chr1:94,019,694, G>A on the plus strand (C>T on the coding strand, the complement: ABCA4 is on the minus strand). VCF-style: chr1-94019694-G-A. GRCh37 (hg19) VCF-style: chr1-94485250-G-A.
Other names: c.4862C>T, p.Ala1621Val (NM_001425324.1); short protein forms A1695V, A1621V.
Identifiers: ClinVar variation 1349581 (VCV001349581.6), dbSNP rs1659842921, ClinGen allele CA341282745.